The following is an entry in ClinVar:

NM_002381.5(MATN3):c.82C>T (p.Pro28Ser)

Gene: MATN3 (matrilin 3; minus strand). Cytogenetic location: 2p24.1.
Variant type: single nucleotide variant.
Coding change: c.82C>T on transcript NM_002381.5 (MANE Select); coding-DNA position 82, C replaced by T.
Protein change: p.Pro28Ser; replaces proline 28 with serine.
Molecular consequence: missense variant.
Genome position (GRCh38, 1-based): chr2:20,012,550, G>A on the plus strand (C>T on the coding strand, the complement: MATN3 is on the minus strand). VCF-style: chr2-20012550-G-A. GRCh37 (hg19) VCF-style: chr2-20212311-G-A.
Other names: short protein forms P28S.
Identifiers: ClinVar variation 3667974 (VCV003667974.2).

ClinVar aggregate classification (germline): Uncertain significance (1 of 4 stars; one submission).

gnomAD v4.1: 3 of 1,226,364 alleles (0.00024%); highest among the groups gnomAD compares: Non-Finnish European, 0.0003%; no homozygotes.

Submission:

Labcorp Genetics (formerly Invitae), Labcorp
Classification: Uncertain significance. Last evaluated: 2024-09-10. Review status: criteria provided, single submitter. Criteria: Invitae Variant Classification Sherloc (09022015). Collection method: clinical testing. Allele origin: germline.
Comment: This sequence change replaces proline, which is neutral and non-polar, with serine, which is neutral and polar, at codon 28 of the MATN3 protein (p.Pro28Ser). This variant is present in population databases (no rsID available, gnomAD 0.007%). This variant has not been reported in the literature in individuals affected with MATN3-related conditions. An algorithm developed to predict the effect of missense changes on protein structure and function outputs the following: PolyPhen-2: "Not Available". The serine amino acid residue is found in multiple mammalian species, which suggests that this missense change does not adversely affect protein function. In summary, the available evidence is currently insufficient to determine the role of this variant in disease. Therefore, it has been classified as a Variant of Uncertain Significance.